The following is an entry in ClinVar:

NM_001042492.3(NF1):c.1543G>A (p.Gly515Arg)

Gene: NF1 (neurofibromin 1; plus strand). Cytogenetic location: 17q11.2.
Variant type: single nucleotide variant.
Coding change: c.1543G>A on transcript NM_001042492.3 (MANE Select); coding-DNA position 1543, G replaced by A.
Protein change: p.Gly515Arg; replaces glycine 515 with arginine.
Molecular consequence: missense variant.
Genome position (GRCh38, 1-based): chr17:31,219,020, G>A. VCF-style: chr17-31219020-G-A. GRCh37 (hg19) VCF-style: chr17-29546038-G-A.
Other names: c.1543G>A, p.Gly515Arg (NM_000267.4, NM_001128147.3); short protein forms G515R.
Identifiers: ClinVar variation 2821669 (VCV002821669.3), dbSNP rs2143985774, ClinGen allele CA399001845.
Genomic context (GRCh38, chr17:31,219,020, plus strand): 5'-GATTTATTTATTTTTTTAATTGAAGTTTCCTTTTTTTCCTTGCAGAATCCAAGAAAACAG[G>A]GGCCCGAAACCCAAGGCAGTACAGCAGAATTAATTACAGGGCTCGTCCAACTGGTCCCTC-3'
Protein context (NP_001035957.1, residues 505-525): KLLLCNPRKQ[Gly515Arg]PETQGSTAEL

ClinVar aggregate classification (germline): Uncertain significance (1 of 4 stars; one submission).

Conditions:
Neurofibromatosis, type 1 (NF1). Also called: VON RECKLINGHAUSEN DISEASE; Peripheral type neurofibromatosis; Neurofibromatosis, type I; NEUROFIBROMATOSIS, TYPE I, SOMATIC. Identifiers: Orphanet 636, MedGen C0027831, MONDO:0018975, OMIM 162200. Disease mechanism: loss of function.

Submission:

Labcorp Genetics (formerly Invitae), Labcorp
Classification: Uncertain significance for Neurofibromatosis, type 1. Last evaluated: 2023-11-02. Review status: criteria provided, single submitter. Criteria: Invitae Variant Classification Sherloc (09022015). Collection method: clinical testing. Allele origin: germline.
Comment: This sequence change replaces glycine, which is neutral and non-polar, with arginine, which is basic and polar, at codon 515 of the NF1 protein (p.Gly515Arg). This variant is not present in population databases (gnomAD no frequency). This variant has not been reported in the literature in individuals affected with NF1-related conditions. Advanced modeling of protein sequence and biophysical properties (such as structural, functional, and spatial information, amino acid conservation, physicochemical variation, residue mobility, and thermodynamic stability) has been performed at Invitae for this missense variant, however the output from this modeling did not meet the statistical confidence thresholds required to predict the impact of this variant on NF1 protein function. In summary, the available evidence is currently insufficient to determine the role of this variant in disease. Therefore, it has been classified as a Variant of Uncertain Significance.